The following is an entry in ClinVar:

NM_000755.5(CRAT):c.1511G>A (p.Arg504Gln)

Gene: CRAT (carnitine O-acetyltransferase; minus strand). Cytogenetic location: 9q34.11.
Variant type: single nucleotide variant.
Coding change: c.1511G>A on transcript NM_000755.5 (MANE Select); coding-DNA position 1511, G replaced by A.
Protein change: p.Arg504Gln; replaces arginine 504 with glutamine.
Molecular consequence: missense variant.
Genome position (GRCh38, 1-based): chr9:129,097,266, C>T on the plus strand (G>A on the coding strand, the complement: CRAT is on the minus strand). VCF-style: chr9-129097266-C-T. GRCh37 (hg19) VCF-style: chr9-131859545-C-T.
Other names: c.1448G>A, p.Arg483Gln (NM_001257363.3, NM_001346548.2, NM_004003.4); c.1514G>A, p.Arg505Gln (NM_001346546.2); c.1511G>A, p.Arg504Gln (NM_001346547.2); c.1391G>A, p.Arg464Gln (NM_001346549.2); short protein forms R505Q, R464Q, R504Q, R483Q.
Identifiers: ClinVar variation 4006662 (VCV004006662.2).

ClinVar aggregate classification (germline): Uncertain significance. Review status: criteria provided, multiple submitters, no conflicts (2 of 4 stars). 2 submissions from 2 submitters: Uncertain significance (2). Last evaluated 2025-12-02.

Submissions (2):

Labcorp Genetics (formerly Invitae), Labcorp
Classification: Uncertain significance. Last evaluated: 2025-12-02. Review status: criteria provided, single submitter. Criteria: Invitae Variant Classification Sherloc (09022015). Collection method: clinical testing. Allele origin: germline.
Comment: This sequence change replaces arginine, which is basic and polar, with glutamine, which is neutral and polar, at codon 504 of the CRAT protein (p.Arg504Gln). This variant is present in population databases (rs372470432, gnomAD 0.03%). This variant has not been reported in the literature in individuals affected with CRAT-related conditions. ClinVar contains an entry for this variant (Variation ID: 4006662). Invitae Evidence Modeling of protein sequence and biophysical properties (such as structural, functional, and spatial information, amino acid conservation, physicochemical variation, residue mobility, and thermodynamic stability) indicates that this missense variant is not expected to disrupt CRAT protein function with a negative predictive value of 80%. In summary, the available evidence is currently insufficient to determine the role of this variant in disease. Therefore, it has been classified as a Variant of Uncertain Significance.

Ambry Genetics
Classification: Uncertain significance. Last evaluated: 2025-04-12. Review status: criteria provided, single submitter. Criteria: Ambry Variant Classification Scheme 2023. Collection method: clinical testing. Allele origin: germline.